The following is an entry in ClinVar:

ClinVar aggregate classification (germline): Uncertain significance (1 of 4 stars; one submission).

Conditions:
DNMT1-related disorder. Also called: DNMT1-related condition. Identifiers: MedGen CN381527.

gnomAD v4.1: 1 of 1,614,204 alleles (0.000062%); highest among the groups gnomAD compares: African/African-American, 0.0013%; no homozygotes.

Submission:

PreventionGenetics, part of Exact Sciences
Classification: Uncertain significance for DNMT1-related condition. Last evaluated: 2026-07-29. Review status: criteria provided, single submitter. Criteria: ACMG Guidelines, 2015. Collection method: clinical testing. Allele origin: germline.
Comment: The DNMT1 c.2331C>G variant is predicted to result in the amino acid substitution p.Asp777Glu. To our knowledge, this variant has not been reported in the literature. This variant is reported in 0.0062% of alleles in individuals of African descent in gnomAD. At this time, the clinical significance of this variant is uncertain due to the absence of conclusive functional and genetic evidence.

NM_001130823.3(DNMT1):c.2331C>G (p.Asp777Glu)

Gene: DNMT1 (DNA methyltransferase 1; minus strand). Cytogenetic location: 19p13.2.
Variant type: single nucleotide variant.
Coding change: c.2331C>G on transcript NM_001130823.3 (MANE Select); coding-DNA position 2331, C replaced by G.
Protein change: p.Asp777Glu; replaces aspartic acid 777 with glutamic acid.
Molecular consequence: missense variant.
Genome position (GRCh38, 1-based): chr19:10,149,903, G>C on the plus strand (C>G on the coding strand, the complement: DNMT1 is on the minus strand). VCF-style: chr19-10149903-G-C. GRCh37 (hg19) VCF-style: chr19-10260579-G-C.
Other names: c.2283C>G, p.Asp761Glu (NM_001318730.2, NM_001379.4); c.1968C>G, p.Asp656Glu (NM_001318731.2); short protein forms D656E, D777E, D761E.
Identifiers: ClinVar variation 4990526 (VCV004990526.1).